The following is an entry in ClinVar:

NM_001166114.2(PNPLA6):c.2634+4G>C

Gene: PNPLA6 (patatin like domain 6, lysophospholipase; plus strand). Cytogenetic location: 19p13.2.
Variant type: single nucleotide variant.
Coding change: c.2634+4G>C on transcript NM_001166114.2 (MANE Select); 4 bases into the intron after coding-DNA position 2634, G replaced by C.
Molecular consequence: intron variant.
Genome position (GRCh38, 1-based): chr19:7,554,727, G>C. VCF-style: chr19-7554727-G-C. GRCh37 (hg19) VCF-style: chr19-7619613-G-C.
Other names: c.2520+4G>C (NM_006702.5, NM_001166113.1); c.2439+4G>C (NM_001166112.2); c.2664+4G>C (NM_001166111.2).
Identifiers: ClinVar variation 1425732 (VCV001425732.4), dbSNP rs751744206, ClinGen allele CA631463172.

ClinVar aggregate classification (germline): Uncertain significance (1 of 4 stars; one submission).

Conditions:
Hereditary spastic paraplegia 39 (SPG39). Also called: SPASTIC PARAPLEGIA 39, AUTOSOMAL RECESSIVE; Spastic Paraplegia Type 39 (SPG39). Identifiers: Orphanet 139480, MedGen C2677586, MONDO:0012787, OMIM 612020.

Allele frequency attached by ClinVar (database versions not stated): gnomAD 0.00003 and 0.00004.
gnomAD v4.1: 8 of 1,611,412 alleles (0.0005%); highest among the groups gnomAD compares: African/African-American, 0.011%; no homozygotes.

Submission:

Labcorp Genetics (formerly Invitae), Labcorp
Classification: Uncertain significance for Hereditary spastic paraplegia 39. Last evaluated: 2023-11-27. Review status: criteria provided, single submitter. Criteria: Invitae Variant Classification Sherloc (09022015). Collection method: clinical testing. Allele origin: germline.
Comment: This sequence change falls in intron 24 of the PNPLA6 gene. It does not directly change the encoded amino acid sequence of the PNPLA6 protein. It affects a nucleotide within the consensus splice site. This variant is present in population databases (no rsID available, gnomAD 0.01%). This variant has not been reported in the literature in individuals affected with PNPLA6-related conditions. ClinVar contains an entry for this variant (Variation ID: 1425732). Variants that disrupt the consensus splice site are a relatively common cause of aberrant splicing (PMID: 17576681, 9536098). Algorithms developed to predict the effect of sequence changes on RNA splicing suggest that this variant is not likely to affect RNA splicing. In summary, the available evidence is currently insufficient to determine the role of this variant in disease. Therefore, it has been classified as a Variant of Uncertain Significance.

Literature cited by the submitters: PubMed 17576681; PubMed 9536098.